The following is an entry in ClinVar:

NM_012200.4(B3GAT3):c.970C>T (p.Arg324Trp)

Gene: B3GAT3 (beta-1,3-glucuronyltransferase 3; minus strand). Cytogenetic location: 11q12.3.
Variant type: single nucleotide variant.
Coding change: c.970C>T on transcript NM_012200.4 (MANE Select); coding-DNA position 970, C replaced by T.
Protein change: p.Arg324Trp; replaces arginine 324 with tryptophan.
Molecular consequence: missense variant. On other transcripts: 3 prime UTR variant (2), non-coding transcript variant (1).
Genome position (GRCh38, 1-based): chr11:62,615,739, G>A on the plus strand (C>T on the coding strand, the complement: B3GAT3 is on the minus strand). VCF-style: chr11-62615739-G-A. GRCh37 (hg19) VCF-style: chr11-62383211-G-A.
Other names: c.949C>T, p.Arg317Trp (NM_001288721.2); c.*447C>T (NM_001288722.2); c.*463C>T (NM_001288723.2); short protein forms R317W, R324W.
Identifiers: ClinVar variation 1981581 (VCV001981581.3), dbSNP rs780467028, ClinGen allele CA6049941.

ClinVar aggregate classification (germline): Uncertain significance (1 of 4 stars; one submission).

Conditions:
Larsen-like syndrome, B3GAT3 type. Also called: Multiple joint dislocations, short stature, craniofacial dysmorphism, with or without congenital heart defects; MULTIPLE JOINT DISLOCATIONS, SHORT STATURE, AND CRANIOFACIAL DYSMORPHISM WITH OR WITHOUT CONGENITAL HEART DEFECTS. Identifiers: Orphanet 284139, MedGen CN034159, MONDO:0009511, OMIM 245600.

Allele frequency attached by ClinVar (database versions not stated): ExAC 0.00001; gnomAD 0.00001; gnomAD exomes 0.00001; TOPMed 0.00001.

Submission:

Labcorp Genetics (formerly Invitae), Labcorp
Classification: Uncertain significance for Larsen-like syndrome, B3GAT3 type. Last evaluated: 2023-11-17. Review status: criteria provided, single submitter. Criteria: Invitae Variant Classification Sherloc (09022015). Collection method: clinical testing. Allele origin: germline.
Comment: This sequence change replaces arginine, which is basic and polar, with tryptophan, which is neutral and slightly polar, at codon 324 of the B3GAT3 protein (p.Arg324Trp). This variant is present in population databases (rs780467028, gnomAD 0.01%), including at least one homozygous and/or hemizygous individual. This variant has not been reported in the literature in individuals affected with B3GAT3-related conditions. ClinVar contains an entry for this variant (Variation ID: 1981581). An algorithm developed to predict the effect of missense changes on protein structure and function (PolyPhen-2) suggests that this variant¬†is likely to be tolerated. In summary, the available evidence is currently insufficient to determine the role of this variant in disease. Therefore, it has been classified as a Variant of Uncertain Significance.